The following is an entry in ClinVar:

ClinVar aggregate classification (germline): Uncertain significance (1 of 4 stars; one submission).

gnomAD v4.1: 94 of 1,551,390 alleles (0.0061%); highest among the groups gnomAD compares: Middle Eastern, 0.017%; no homozygotes.

Submission:

Labcorp Genetics (formerly Invitae), Labcorp
Classification: Uncertain significance. Last evaluated: 2024-12-26. Review status: criteria provided, single submitter. Criteria: Invitae Variant Classification Sherloc (09022015). Collection method: clinical testing. Allele origin: germline.
Comment: This sequence change replaces arginine, which is basic and polar, with tryptophan, which is neutral and slightly polar, at codon 325 of the ELMOD3 protein (p.Arg325Trp). This variant is present in population databases (rs755274202, gnomAD 0.008%). This variant has not been reported in the literature in individuals affected with ELMOD3-related conditions. Invitae Evidence Modeling of protein sequence and biophysical properties (such as structural, functional, and spatial information, amino acid conservation, physicochemical variation, residue mobility, and thermodynamic stability) indicates that this missense variant is not expected to disrupt ELMOD3 protein function with a negative predictive value of 80%. In summary, the available evidence is currently insufficient to determine the role of this variant in disease. Therefore, it has been classified as a Variant of Uncertain Significance.

NM_001135022.2(ELMOD3):c.973C>T (p.Arg325Trp)

Gene: ELMOD3 (ELMO domain containing 3; plus strand). Cytogenetic location: 2p11.2.
Variant type: single nucleotide variant.
Coding change: c.973C>T on transcript NM_001135022.2 (MANE Select); coding-DNA position 973, C replaced by T.
Protein change: p.Arg325Trp; replaces arginine 325 with tryptophan.
Molecular consequence: missense variant. On other transcripts: 3 prime UTR variant (1), non-coding transcript variant (3).
Genome position (GRCh38, 1-based): chr2:85,390,789, C>T. VCF-style: chr2-85390789-C-T. GRCh37 (hg19) VCF-style: chr2-85617912-C-T.
Other names: c.973C>T, p.Arg325Trp (NM_001135021.2, NM_001135023.2, NM_001329791.2 and 2 more transcripts); c.*291C>T (NM_032213.5); short protein forms R325W.
Identifiers: ClinVar variation 3709717 (VCV003709717.2).